The following is an entry in ClinVar:

ClinVar aggregate classification (germline): Uncertain significance. Review status: criteria provided, multiple submitters, no conflicts (2 of 4 stars). 2 submissions from 2 submitters: Uncertain significance (2). Last evaluated 2025-10-10.

Conditions:
Inborn genetic diseases. Identifiers: MedGen C0950123, MeSH D030342.

Submissions (2):

Labcorp Genetics (formerly Invitae), Labcorp
Classification: Uncertain significance. Last evaluated: 2025-10-10. Review status: criteria provided, single submitter. Criteria: Invitae Variant Classification Sherloc (09022015). Collection method: clinical testing. Allele origin: germline.
Comment: This sequence change replaces threonine, which is neutral and polar, with serine, which is neutral and polar, at codon 248 of the USB1 protein (p.Thr248Ser). This variant is not present in population databases (gnomAD no frequency). This variant has not been reported in the literature in individuals affected with USB1-related conditions. ClinVar contains an entry for this variant (Variation ID: 3978164). Invitae Evidence Modeling of protein sequence and biophysical properties (such as structural, functional, and spatial information, amino acid conservation, physicochemical variation, residue mobility, and thermodynamic stability) indicates that this missense variant is not expected to disrupt USB1 protein function with a negative predictive value of 80%. In summary, the available evidence is currently insufficient to determine the role of this variant in disease. Therefore, it has been classified as a Variant of Uncertain Significance.

Ambry Genetics
Classification: Uncertain significance for Inborn genetic diseases. Last evaluated: 2025-04-22. Review status: criteria provided, single submitter. Criteria: Ambry Variant Classification Scheme 2023. Collection method: clinical testing. Allele origin: germline.
Comment: The p.T248S variant (also known as c.742A>T), located in coding exon 7 of the USB1 gene, results from an A to T substitution at nucleotide position 742. The threonine at codon 248 is replaced by serine, an amino acid with similar properties. This amino acid position is conserved. In addition, this alteration is predicted to be tolerated by in silico analysis. Based on the available evidence, the clinical significance of this variant remains unclear.

NM_024598.4(USB1):c.742A>T (p.Thr248Ser)

Gene: USB1 (U6 snRNA biogenesis phosphodiesterase 1; plus strand). Cytogenetic location: 16q21.
Variant type: single nucleotide variant.
Coding change: c.742A>T on transcript NM_024598.4 (MANE Select); coding-DNA position 742, A replaced by T.
Protein change: p.Thr248Ser; replaces threonine 248 with serine.
Molecular consequence: missense variant.
Genome position (GRCh38, 1-based): chr16:58,020,189, A>T. VCF-style: chr16-58020189-A-T. GRCh37 (hg19) VCF-style: chr16-58054093-A-T.
Other names: c.688A>T, p.Thr230Ser (NM_001195302.2); c.589A>T, p.Thr197Ser (NM_001330568.2); short protein forms T197S, T230S, T248S.
Identifiers: ClinVar variation 3978164 (VCV003978164.2).